The following is an entry in ClinVar:

NM_031220.4(PITPNM3):c.352G>A (p.Glu118Lys)

Gene: PITPNM3 (PITPNM family member 3; minus strand). Cytogenetic location: 17p13.2.
Variant type: single nucleotide variant.
Coding change: c.352G>A on transcript NM_031220.4 (MANE Select); coding-DNA position 352, G replaced by A.
Protein change: p.Glu118Lys; replaces glutamic acid 118 with lysine.
Molecular consequence: missense variant.
Genome position (GRCh38, 1-based): chr17:6,483,752, C>T on the plus strand (G>A on the coding strand, the complement: PITPNM3 is on the minus strand). VCF-style: chr17-6483752-C-T. GRCh37 (hg19) VCF-style: chr17-6387072-C-T.
Other names: c.244G>A, p.Glu82Lys (NM_001165966.2); short protein forms E82K, E118K.
Identifiers: ClinVar variation 2814949 (VCV002814949.3), dbSNP rs1044257262, ClinGen allele CA287323577.

ClinVar aggregate classification (germline): Uncertain significance (1 of 4 stars; one submission).

Allele frequency attached by ClinVar (database versions not stated): gnomAD 0.00001; TOPMed 0.00001.

Submission:

Labcorp Genetics (formerly Invitae), Labcorp
Classification: Uncertain significance. Last evaluated: 2023-11-08. Review status: criteria provided, single submitter. Criteria: Invitae Variant Classification Sherloc (09022015). Collection method: clinical testing. Allele origin: germline.
Comment: This sequence change replaces glutamic acid, which is acidic and polar, with lysine, which is basic and polar, at codon 118 of the PITPNM3 protein (p.Glu118Lys). This variant is not present in population databases (gnomAD no frequency). This variant has not been reported in the literature in individuals affected with PITPNM3-related conditions. An algorithm developed to predict the effect of missense changes on protein structure and function (PolyPhen-2) suggests that this variant is likely to be tolerated. In summary, the available evidence is currently insufficient to determine the role of this variant in disease. Therefore, it has been classified as a Variant of Uncertain Significance.